The following is an entry in ClinVar:

ClinVar aggregate classification (germline): Uncertain significance (1 of 4 stars; one submission).

gnomAD v4.1: 1 of 1,613,104 alleles (0.000062%); highest among the groups gnomAD compares: Non-Finnish European, 0.000085%; no homozygotes.

Submission:

Labcorp Genetics (formerly Invitae), Labcorp
Classification: Uncertain significance. Last evaluated: 2025-07-08. Review status: criteria provided, single submitter. Criteria: Invitae Variant Classification Sherloc (09022015). Collection method: clinical testing. Allele origin: germline.
Comment: This sequence change replaces threonine, which is neutral and polar, with isoleucine, which is neutral and non-polar, at codon 506 of the KMT2A protein (p.Thr506Ile). This variant is not present in population databases (gnomAD no frequency). This variant has not been reported in the literature in individuals affected with KMT2A-related conditions. Invitae Evidence Modeling of protein sequence and biophysical properties (such as structural, functional, and spatial information, amino acid conservation, physicochemical variation, residue mobility, and thermodynamic stability) indicates that this missense variant is not expected to disrupt KMT2A protein function with a negative predictive value of 95%. In summary, the available evidence is currently insufficient to determine the role of this variant in disease. Therefore, it has been classified as a Variant of Uncertain Significance.

NM_001197104.2(KMT2A):c.1517C>T (p.Thr506Ile)

Gene: KMT2A (lysine methyltransferase 2A; plus strand). Cytogenetic location: 11q23.3.
Variant type: single nucleotide variant.
Coding change: c.1517C>T on transcript NM_001197104.2 (MANE Select); coding-DNA position 1517, C replaced by T.
Protein change: p.Thr506Ile; replaces threonine 506 with isoleucine.
Molecular consequence: missense variant.
Genome position (GRCh38, 1-based): chr11:118,472,676, C>T. VCF-style: chr11-118472676-C-T. GRCh37 (hg19) VCF-style: chr11-118343391-C-T.
Other names: c.1616C>T, p.Thr539Ile (NM_001412597.1); c.1517C>T, p.Thr506Ile (NM_005933.4); short protein forms T506I, T539I.
Identifiers: ClinVar variation 4701417 (VCV004701417.1).
Genomic context (GRCh38, chr11:118,472,676, plus strand): 5'-CCTCCACAGACTCTCAGGCTTCTGAGGAGATTCAGGTACTTCCTGAGGAGCGGAGCGATA[C>T]CCCTGAAGTTCATCCTCCACTGCCCATTTCCCAGTCCCCAGAAAATGAGAGTAATGATAG-3'
Protein context (NP_001184033.1, residues 496-516): IQVLPEERSD[Thr506Ile]PEVHPPLPIS